The following is an entry in ClinVar:

ClinVar aggregate classification (germline): Benign/Likely benign. Review status: criteria provided, multiple submitters, no conflicts (2 of 4 stars). 4 submissions from 4 submitters: Benign (1); Likely benign (3). Last evaluated 2025-07-31.

Conditions:
Oligodontia-cancer predisposition syndrome. Also called: TOOTH AGENESIS-COLORECTAL CANCER SYNDROME. Identifiers: Orphanet 300576, MedGen C1837750, MONDO:0012075, OMIM 608615. Disease mechanism: loss of function.
Hereditary cancer-predisposing syndrome. Also called: Hereditary Cancer Syndrome; Hereditary neoplastic syndrome; Neoplastic Syndromes, Hereditary; Tumor predisposition. Identifiers: Orphanet 140162, MedGen C0027672, MeSH D009386, MONDO:0015356.

Allele frequency attached by ClinVar (database versions not stated): ExAC 0.00001.

Submissions (4):

Labcorp Genetics (formerly Invitae), Labcorp
Classification: Likely benign for Oligodontia-cancer predisposition syndrome. Last evaluated: 2025-07-31. Review status: criteria provided, single submitter. Criteria: Invitae Variant Classification Sherloc (09022015). Collection method: clinical testing. Allele origin: germline.

Myriad Genetics, Inc.
Classification: Benign for Oligodontia-cancer predisposition syndrome. Last evaluated: 2024-06-27. Review status: criteria provided, single submitter. Criteria: Myriad Autosomal Dominant, Autosomal Recessive and X-Linked Classification Criteria (2023). Collection method: clinical testing. Allele origin: unknown.
Comment: This variant is considered benign. This variant is a silent/synonymous amino acid change and it is not expected to impact splicing.

Ambry Genetics
Classification: Likely benign for Hereditary cancer-predisposing syndrome. Last evaluated: 2019-07-08. Review status: criteria provided, single submitter. Criteria: Ambry Variant Classification Scheme 2023. Collection method: clinical testing. Allele origin: germline.

GeneDx
Classification: Likely benign. Last evaluated: 2018-03-12. Review status: criteria provided, single submitter. Criteria: GeneDx Variant Classification (06012015). Collection method: clinical testing. Allele origin: germline. Affected: yes.
Comment: This variant is considered likely benign or benign based on one or more of the following criteria: it is a conservative change, it occurs at a poorly conserved position in the protein, it is predicted to be benign by multiple in silico algorithms, and/or has population frequency not consistent with disease.

NM_004655.4(AXIN2):c.600G>C (p.Val200=)

Gene: AXIN2 (axin 2; minus strand). Cytogenetic location: 17q24.1.
Variant type: single nucleotide variant.
Coding change: c.600G>C on transcript NM_004655.4 (MANE Select); coding-DNA position 600, G replaced by C.
Protein change: p.Val200=; no amino-acid change (valine 200 retained).
Molecular consequence: synonymous variant.
Genome position (GRCh38, 1-based): chr17:65,558,021, C>G on the plus strand (G>C on the coding strand, the complement: AXIN2 is on the minus strand). VCF-style: chr17-65558021-C-G. GRCh37 (hg19) VCF-style: chr17-63554139-C-G.
Other names: c.600G>C, p.Val200= (NM_001363813.1); c.600G>C (LRG_296t1).
Identifiers: ClinVar variation 390615 (VCV000390615.14), dbSNP rs747796659, ClinGen allele CA8719024.